The following is an entry in ClinVar:

NM_017999.5(RNF31):c.1244G>A (p.Cys415Tyr)

Gene: RNF31 (ring finger protein 31; plus strand). Cytogenetic location: 14q12.
Variant type: single nucleotide variant.
Coding change: c.1244G>A on transcript NM_017999.5 (MANE Select); coding-DNA position 1244, G replaced by A.
Protein change: p.Cys415Tyr; replaces cysteine 415 with tyrosine.
Molecular consequence: missense variant.
Genome position (GRCh38, 1-based): chr14:24,150,644, G>A. VCF-style: chr14-24150644-G-A. GRCh37 (hg19) VCF-style: chr14-24619853-G-A.
Other names: c.791G>A, p.Cys264Tyr (NM_001310332.2); short protein forms C264Y, C415Y.
Identifiers: ClinVar variation 1719658 (VCV001719658.6), dbSNP rs2502000183, ClinGen allele CA389292744.

ClinVar aggregate classification (germline): Uncertain significance (1 of 4 stars; one submission).

Allele frequency attached by ClinVar (database versions not stated): gnomAD exomes below 0.00001.
gnomAD v4.1: 1 of 1,614,250 alleles (0.000062%); highest among the groups gnomAD compares: Non-Finnish European, 0.000085%; no homozygotes.

Submission:

Labcorp Genetics (formerly Invitae), Labcorp
Classification: Uncertain significance. Last evaluated: 2022-09-17. Review status: criteria provided, single submitter. Criteria: Invitae Variant Classification Sherloc (09022015). Collection method: clinical testing. Allele origin: germline.
Comment: This sequence change replaces cysteine, which is neutral and slightly polar, with tyrosine, which is neutral and polar, at codon 415 of the RNF31 protein (p.Cys415Tyr). In summary, the available evidence is currently insufficient to determine the role of this variant in disease. Therefore, it has been classified as a Variant of Uncertain Significance. Algorithms developed to predict the effect of missense changes on protein structure and function are either unavailable or do not agree on the potential impact of this missense change (SIFT: "Deleterious"; PolyPhen-2: "Probably Damaging"; Align-GVGD: "Class C0"). This variant has not been reported in the literature in individuals affected with RNF31-related conditions. This variant is not present in population databases (gnomAD no frequency).